The following is an entry in ClinVar:

ClinVar aggregate classification (germline): Uncertain significance. Review status: criteria provided, multiple submitters, no conflicts (2 of 4 stars). 3 submissions from 3 submitters: Uncertain significance (3). Last evaluated 2024-12-02.

Conditions:
Progressive sclerosing poliodystrophy (MTDPS4A). Also called: Mitochondrial DNA Depletion Syndrome 4A; Alpers-Huttenlocher Syndrome (AHS); Alpers Syndrome; ALPERS DIFFUSE DEGENERATION OF CEREBRAL GRAY MATTER WITH HEPATIC CIRRHOSIS; Alpers-Huttenlocher Syndrome; Mitochondrial DNA depletion syndrome 4A (Alpers type). Identifiers: Orphanet 726, MedGen C0205710, MONDO:0008758, OMIM 203700.

Submissions (3):

Labcorp Genetics (formerly Invitae), Labcorp
Classification: Uncertain significance for Progressive sclerosing poliodystrophy. Last evaluated: 2024-12-02. Review status: criteria provided, single submitter. Criteria: Invitae Variant Classification Sherloc (09022015). Collection method: clinical testing. Allele origin: germline.
Comment: This sequence change replaces isoleucine, which is neutral and non-polar, with valine, which is neutral and non-polar, at codon 1185 of the POLG protein (p.Ile1185Val). This variant is not present in population databases (gnomAD no frequency). This variant has not been reported in the literature in individuals affected with POLG-related conditions. ClinVar contains an entry for this variant (Variation ID: 1256101). Invitae Evidence Modeling of protein sequence and biophysical properties (such as structural, functional, and spatial information, amino acid conservation, physicochemical variation, residue mobility, and thermodynamic stability) indicates that this missense variant is not expected to disrupt POLG protein function with a negative predictive value of 95%. In summary, the available evidence is currently insufficient to determine the role of this variant in disease. Therefore, it has been classified as a Variant of Uncertain Significance.

Women's Health and Genetics/Laboratory Corporation of America, LabCorp
Classification: Uncertain significance. Last evaluated: 2024-08-12. Review status: criteria provided, single submitter. Criteria: LabCorp Variant Classification Summary - May 2015. Collection method: clinical testing. Allele origin: germline.

Athena Diagnostics
Classification: Uncertain significance. Last evaluated: 2020-09-23. Review status: criteria provided, single submitter. Criteria: Athena Diagnostics criteria. Collection method: clinical testing. Allele origin: unknown.

NM_002693.3(POLG):c.3553A>G (p.Ile1185Val)

Gene: POLG (DNA polymerase gamma, catalytic subunit; minus strand). Cytogenetic location: 15q26.1.
Variant type: single nucleotide variant.
Coding change: c.3553A>G on transcript NM_002693.3 (MANE Select); coding-DNA position 3553, A replaced by G.
Protein change: p.Ile1185Val; replaces isoleucine 1185 with valine.
Molecular consequence: missense variant.
Genome position (GRCh38, 1-based): chr15:89,317,466, T>C on the plus strand (A>G on the coding strand, the complement: POLG is on the minus strand). VCF-style: chr15-89317466-T-C. GRCh37 (hg19) VCF-style: chr15-89860697-T-C.
Other names: c.3553A>G, p.Ile1185Val (NM_001126131.2); short protein forms I1185V.
Identifiers: ClinVar variation 1256101 (VCV001256101.5), dbSNP rs2152056502, ClinGen allele CA393747628.
Genomic context (GRCh38, chr15:89,317,466, plus strand): 5'-CAGTTGGGTTGGAAGGGGTTTTACAATCCATGGTCACTTCCTTCCTGAGGCACCGGTCAA[T>C]ATCGACTGCACTGAAAAAGGCGACTGACTGGGGCAAGTCATTCAGACCCAGCTTGTAGGC-3'
Protein context (NP_002684.1, residues 1175-1195): QSVAFFSAVD[Ile1185Val]DRCLRKEVTM